The following is an entry in ClinVar:

NM_178161.3(PTF1A):c.133G>T (p.Asp45Tyr)

Gene: PTF1A (pancreas associated transcription factor 1a; plus strand). Cytogenetic location: 10p12.2.
Variant type: single nucleotide variant.
Coding change: c.133G>T on transcript NM_178161.3 (MANE Select); coding-DNA position 133, G replaced by T.
Protein change: p.Asp45Tyr; replaces aspartic acid 45 with tyrosine.
Molecular consequence: missense variant.
Genome position (GRCh38, 1-based): chr10:23,192,663, G>T. VCF-style: chr10-23192663-G-T. GRCh37 (hg19) VCF-style: chr10-23481592-G-T.
Other names: short protein forms D45Y.
Identifiers: ClinVar variation 1898510 (VCV001898510.5), dbSNP rs201397561, ClinGen allele CA5438573.
Genomic context (GRCh38, chr10:23,192,663, plus strand): 5'-GACTTCTTCACCGACCAGTCTTCACGGGACCCCCTGGAGGACGGCGATGAGCTGCTGGCG[G>T]ACGAGCAGGCCGAGGTGGAGTTCCTTAGCCACCAGCTCCACGAGTACTGCTACCGCGACG-3'
Protein context (NP_835455.1, residues 35-55): PLEDGDELLA[Asp45Tyr]EQAEVEFLSH

ClinVar aggregate classification (germline): Uncertain significance (1 of 4 stars; one submission).

Allele frequency attached by ClinVar (database versions not stated): TOPMed 0.00001; ExAC 0.00002; gnomAD 0.00001; gnomAD exomes 0.00001; 1000 Genomes Project 30x 0.00016; 1000 Genomes Project 0.00020.

Submission:

Labcorp Genetics (formerly Invitae), Labcorp
Classification: Uncertain significance. Last evaluated: 2026-01-19. Review status: criteria provided, single submitter. Criteria: Invitae Variant Classification Sherloc (09022015). Collection method: clinical testing. Allele origin: germline.
Comment: This sequence change replaces aspartic acid, which is acidic and polar, with tyrosine, which is neutral and polar, at codon 45 of the PTF1A protein (p.Asp45Tyr). This variant is present in population databases (rs201397561, gnomAD 0.02%). This variant has not been reported in the literature in individuals affected with PTF1A-related conditions. ClinVar contains an entry for this variant (Variation ID: 1898510). An algorithm developed to predict the effect of missense changes on protein structure and function (PolyPhen-2) suggests that this variant is likely to be disruptive. In summary, the available evidence is currently insufficient to determine the role of this variant in disease. Therefore, it has been classified as a Variant of Uncertain Significance.